The following is an entry in ClinVar:

ClinVar aggregate classification (germline): Uncertain significance (1 of 4 stars; one submission).

Submission:

Women's Health and Genetics/Laboratory Corporation of America, LabCorp
Classification: Uncertain significance. Last evaluated: 2020-11-04. Review status: criteria provided, single submitter. Criteria: LabCorp Variant Classification Summary - May 2015. Collection method: clinical testing. Allele origin: germline.
Comment: Variant summary: CDH1 c.1320+4T>C alters a non-conserved nucleotide located close to a canonical splice site and therefore could affect mRNA splicing, leading to a significantly altered protein sequence. 4/4 computational tools predict no significant impact on normal splicing. However, these predictions have yet to be confirmed by functional studies. The variant was absent in 251472 control chromosomes (gnomAD). The available data on variant occurrences in the general population are insufficient to allow any conclusion about variant significance. To our knowledge, no occurrence of c.1320+4T>C in individuals affected with Hereditary Diffuse Gastric Cancer and no experimental evidence demonstrating its impact on protein function have been reported. No clinical diagnostic laboratories have submitted clinical-significance assessments for this variant to ClinVar after 2014. Based on the evidence outlined above, the variant was classified as uncertain significance.

NM_004360.5(CDH1):c.1320+4T>C

Gene: CDH1 (cadherin 1; plus strand). Cytogenetic location: 16q22.1.
Variant type: single nucleotide variant.
Coding change: c.1320+4T>C on transcript NM_004360.5 (MANE Select); 4 bases into the intron after coding-DNA position 1320, T replaced by C.
Molecular consequence: intron variant. On other transcripts: 5 prime UTR variant (1).
Genome position (GRCh38, 1-based): chr16:68,813,499, T>C. VCF-style: chr16-68813499-T-C. GRCh37 (hg19) VCF-style: chr16-68847402-T-C.
Other names: c.-292T>C (NM_001317185.2); c.-500+4T>C (NM_001317186.2); c.1137+1236T>C (NM_001317184.2); c.1320+4T>C (LRG_301t1).
Identifiers: ClinVar variation 633152 (VCV000633152.2), dbSNP rs1567508005, ClinGen allele CA396461987.
Genomic context (GRCh38, chr16:68,813,499, plus strand): 5'-CAATTTGTCGTCACCACAAATCCAGTGAACAACGATGGCATTTTGAAAACAGCAAAGGTT[T>C]GTATGGTACCTGGCAAGATGCAGAAACTGGCATCCTCACAGCTGTTCATACCCTTGTCCC-3'